The following is an entry in ClinVar:

ClinVar aggregate classification (germline): Uncertain significance. Review status: criteria provided, multiple submitters, no conflicts (2 of 4 stars). 2 submissions from 2 submitters: Uncertain significance (2). Last evaluated 2020-10-12.

Conditions:
Developmental and epileptic encephalopathy. Identifiers: MedGen C5779964, MONDO:0100620.

Submissions (2):

Blueprint Genetics
Classification: Uncertain significance. Last evaluated: 2020-10-12. Review status: criteria provided, single submitter. Criteria: ACMG Guidelines, 2015. Collection method: clinical testing. Allele origin: germline.

Labcorp Genetics (formerly Invitae), Labcorp
Classification: Uncertain significance for Early-infantile DEE. Last evaluated: 2019-08-23. Review status: criteria provided, single submitter. Criteria: Invitae Variant Classification Sherloc (09022015). Collection method: clinical testing. Allele origin: germline.
Comment: This sequence change replaces isoleucine with valine at codon 207 of the ST3GAL3 protein (p.Ile207Val). The isoleucine residue is highly conserved and there is a small physicochemical difference between isoleucine and valine. This variant is not present in population databases (ExAC no frequency). This variant has not been reported in the literature in individuals with ST3GAL3-related conditions. Algorithms developed to predict the effect of missense changes on protein structure and function are either unavailable or do not agree on the potential impact of this missense change (SIFT: "Deleterious"; PolyPhen-2: "Possibly Damaging"; Align-GVGD: "Class C0"). In summary, the available evidence is currently insufficient to determine the role of this variant in disease. Therefore, it has been classified as a Variant of Uncertain Significance.

NM_006279.5(ST3GAL3):c.619A>G (p.Ile207Val)

Gene: ST3GAL3 (ST3 beta-galactoside alpha-2,3-sialyltransferase 3; plus strand). Cytogenetic location: 1p34.1.
Variant type: single nucleotide variant.
Coding change: c.619A>G on transcript NM_006279.5 (MANE Select); coding-DNA position 619, A replaced by G.
Protein change: p.Ile207Val; replaces isoleucine 207 with valine.
Molecular consequence: missense variant. On other transcripts: non-coding transcript variant (5), intron variant (7).
Genome position (GRCh38, 1-based): chr1:43,899,602, A>G. VCF-style: chr1-43899602-A-G. GRCh37 (hg19) VCF-style: chr1-44365274-A-G.
Other names: c.781A>G, p.Ile261Val (NM_174968.5, NM_001363573.2); c.571A>G, p.Ile191Val (NM_174969.4, NM_001270461.3); c.733A>G, p.Ile245Val (NM_174971.5); c.442+5125A>G (NM_174965.4); c.*22+313A>G (NM_001270465.3); c.554+339A>G (NM_001270463.3); c.397+5125A>G (NM_174967.4); c.509+339A>G (NM_001270464.3); and 8 more; short protein forms I191V, I276V, I114V, I222V, I245V, I160V, I176V, I207V.
Identifiers: ClinVar variation 943419 (VCV000943419.10), dbSNP rs2077943464, ClinGen allele CA340270263.